The following is an entry in ClinVar:

ClinVar aggregate classification (germline): Uncertain significance (1 of 4 stars; one submission).

Conditions:
OCRL-related disorder. Also called: OCRL-related condition.

Submission:

PreventionGenetics, part of Exact Sciences
Classification: Uncertain significance for OCRL-related condition. Last evaluated: 2025-07-06. Review status: criteria provided, single submitter. Criteria: ACMG Guidelines, 2015. Collection method: clinical testing. Allele origin: germline.
Comment: The OCRL c.1102A>G variant is predicted to result in the amino acid substitution p.Thr368Ala. To our knowledge, this variant has not been reported in the literature or in a large population database (gnomAD), indicating this variant is rare. At this time, the clinical significance of this variant is uncertain due to the absence of conclusive functional and genetic evidence.

NM_000276.4(OCRL):c.1102A>G (p.Thr368Ala)

Gene: OCRL (OCRL inositol polyphosphate-5-phosphatase; plus strand). Cytogenetic location: Xq26.1.
Variant type: single nucleotide variant.
Coding change: c.1102A>G on transcript NM_000276.4 (MANE Select); coding-DNA position 1102, A replaced by G.
Protein change: p.Thr368Ala; replaces threonine 368 with alanine.
Molecular consequence: missense variant.
Genome position (GRCh38, 1-based): chrX:129,562,644, A>G. VCF-style: chrX-129562644-A-G. GRCh37 (hg19) VCF-style: chrX-128696621-A-G.
Other names: c.1105A>G, p.Thr369Ala (NM_001318784.2); c.1102A>G, p.Thr368Ala (NM_001587.4); short protein forms T368A, T369A.
Identifiers: ClinVar variation 5002481 (VCV005002481.1).